The following is an entry in ClinVar:

NM_020822.3(KCNT1):c.1038C>G (p.Phe346Leu)

Gene: KCNT1 (potassium sodium-activated channel subfamily T member 1; plus strand). Cytogenetic location: 9q34.3.
Variant type: single nucleotide variant.
Coding change: c.1038C>G on transcript NM_020822.3 (MANE Select); coding-DNA position 1038, C replaced by G.
Protein change: p.Phe346Leu; replaces phenylalanine 346 with leucine.
Molecular consequence: missense variant.
Genome position (GRCh38, 1-based): chr9:135,765,033, C>G. VCF-style: chr9-135765033-C-G. GRCh37 (hg19) VCF-style: chr9-138656879-C-G.
Other names: c.903C>G, p.Phe301Leu (NM_001272003.2); short protein forms F346L, F301L.
Identifiers: ClinVar variation 853550 (VCV000853550.12), dbSNP rs767434859, ClinGen allele CA375499796.

ClinVar aggregate classification (germline): Pathogenic. Review status: criteria provided, multiple submitters, no conflicts (2 of 4 stars). 3 submissions from 3 submitters: Pathogenic (3). Last evaluated 2025-07-06.

Conditions:
Autosomal dominant nocturnal frontal lobe epilepsy 5. Also called: Epilepsy, nocturnal frontal lobe, 5; CILIARY DYSKINESIA, PRIMARY, 28, WITHOUT SITUS INVERSUS; CILIARY DYSKINESIA, PRIMARY, 28, WITH SITUS INVERSUS; KCNT1-Related Epilepsy. Identifiers: Orphanet 98784, MedGen C3554306, MONDO:0014002, OMIM 615005.
Developmental and epileptic encephalopathy, 14 (DEE14). Also called: Early infantile epileptic encephalopathy 14. Identifiers: Orphanet 293181, MedGen C3554195, MONDO:0013989, OMIM 614959.

Submissions (3):

Labcorp Genetics (formerly Invitae), Labcorp
Classification: Pathogenic for Autosomal dominant nocturnal frontal lobe epilepsy 5; Developmental and epileptic encephalopathy, 14. Last evaluated: 2025-07-06. Review status: criteria provided, single submitter. Criteria: Invitae Variant Classification Sherloc (09022015). Collection method: clinical testing. Allele origin: germline.
Comment: This sequence change replaces phenylalanine, which is neutral and non-polar, with leucine, which is neutral and non-polar, at codon 346 of the KCNT1 protein (p.Phe346Leu). This variant is not present in population databases (gnomAD no frequency). This missense change has been observed in individual(s) with early infantile epileptic encephalopathy (PMID: 30868116, 31618474; internal data). In at least one individual the variant was observed to be de novo. ClinVar contains an entry for this variant (Variation ID: 853550). An algorithm developed to predict the effect of missense changes on protein structure and function (PolyPhen-2) suggests that this variant is likely to be tolerated. Experimental studies have shown that this missense change affects KCNT1 function (PMID: 29196579). For these reasons, this variant has been classified as Pathogenic.

3billion
Classification: Pathogenic for Developmental and epileptic encephalopathy, 14. Last evaluated: 2025-06-20. Review status: criteria provided, single submitter. Criteria: ACMG Guidelines, 2015. Collection method: clinical testing. Allele origin: germline. Affected: yes.
Comment: The variant is not observed in the gnomAD v4.1.0 dataset. Predicted Consequence/Location: Missense variant. Missense changes are a common disease-causing mechanism. In silico tool predictions suggest damaging effect of the variant on gene or gene product [3Cnet: 0.81 (> 0.75, sensitivity 0.96 and precision 0.92)]. The same nucleotide change resulting in the same amino acid change has been previously reported as pathogenic/likely pathogenic with strong evidence (ClinVar ID: VCV000853550 /PMID: 29390993). The variant has been previously reported as de novo in a similarly affected individual (PMID: 29390993). Therefore, this variant is classified as Pathogenic according to the recommendation of ACMG/AMP guideline.

GeneDx
Classification: Pathogenic. Last evaluated: 2025-03-02. Review status: criteria provided, single submitter. Criteria: GeneDx Variant Classification Process June 2021. Collection method: clinical testing. Allele origin: germline. Affected: yes.
Comment: Published functional studies demonstrate a damaging effect (PMID: 29196579); In silico analysis supports that this missense variant has a deleterious effect on protein structure/function; Not observed at significant frequency in large population cohorts (gnomAD); This variant is associated with the following publications: (PMID: 30868116, 31618474, 32139178, 37177976, 29455050, 29196579, 29390993)

Literature cited by the submitters: PubMed 30868116 (cited by Labcorp Genetics (formerly Invitae), Labcorp); PubMed 31618474 (cited by Labcorp Genetics (formerly Invitae), Labcorp); PubMed 29196579 (cited by Labcorp Genetics (formerly Invitae), Labcorp); PubMed 29390993 (cited by 3billion).